The following is an entry in ClinVar:

ClinVar aggregate classification (germline): Conflicting classifications of pathogenicity. Review status: criteria provided, conflicting classifications (1 of 4 stars). 5 submissions from 5 submitters: Uncertain significance (1); Likely benign (4). Last evaluated 2024-10-26.

Conditions:
Ehlers-Danlos syndrome, type 4 (EDSVASC). Also called: Ehlers-Danlos Syndrome Type IV; Ehlers-Danlos syndrome vascular type; Ehlers Danlos syndrome, ecchymotic type; Ehlers Danlos syndrome, arterial type; Ehlers Danlos syndrome, Sack-Barabas type. Identifiers: Orphanet 286, MedGen C0268338, MONDO:0017314, OMIM 130050.
Familial thoracic aortic aneurysm and aortic dissection (TAAD). Also called: Thoracic aortic aneurysms and dissections. Identifiers: Orphanet 91387, MedGen C4707243, MONDO:0019625.

Allele frequency attached by ClinVar (database versions not stated): gnomAD exomes below 0.00001; gnomAD 0.00002; TOPMed 0.00002; ExAC 0.00001.
gnomAD v4.1: 20 of 1,614,010 alleles (0.0012%); highest among the groups gnomAD compares: East Asian, 0.0045%; no homozygotes.

Submissions (5):

Labcorp Genetics (formerly Invitae), Labcorp
Classification: Likely benign for Ehlers-Danlos syndrome, type 4. Last evaluated: 2024-10-26. Review status: criteria provided, single submitter. Criteria: Invitae Variant Classification Sherloc (09022015). Collection method: clinical testing. Allele origin: germline.

All of Us Research Program, National Institutes of Health
Classification: Likely benign for Ehlers-Danlos syndrome, type 4. Last evaluated: 2023-12-01. Review status: criteria provided, single submitter. Criteria: ACMG Guidelines, 2015. Collection method: clinical testing. Allele origin: germline. Inheritance: Autosomal dominant inheritance. Observed: 3 variant alleles, 3 heterozygotes.
Comment: This study involves interpretation of variants in research participants for the purpose of population health screening. Participant phenotype was not available at the time of variant classification. Additional details can be found in publication PMID: 35346344, PMCID: PMC8962531

Ambry Genetics
Classification: Likely benign for Familial thoracic aortic aneurysm and aortic dissection. Last evaluated: 2022-09-26. Review status: criteria provided, single submitter. Criteria: Ambry Variant Classification Scheme 2023. Collection method: clinical testing. Allele origin: germline.

Color Diagnostics, LLC DBA Color Health
Classification: Likely benign for Familial thoracic aortic aneurysm and aortic dissection. Last evaluated: 2018-06-04. Review status: criteria provided, single submitter. Criteria: ACMG Guidelines, 2015. Collection method: clinical testing. Allele origin: germline.

Illumina Laboratory Services, Illumina
Classification: Uncertain significance for Ehlers-Danlos syndrome, type 4. Last evaluated: 2018-01-13. Review status: criteria provided, single submitter. Criteria: ICSL Variant Classification Criteria 13 December 2019. Collection method: clinical testing. Allele origin: germline.

NM_000090.4(COL3A1):c.4020C>T (p.Tyr1340=)

Gene: COL3A1 (collagen type III alpha 1 chain; plus strand). Cytogenetic location: 2q32.2.
Variant type: single nucleotide variant.
Coding change: c.4020C>T on transcript NM_000090.4 (MANE Select); coding-DNA position 4020, C replaced by T.
Protein change: p.Tyr1340=; no amino-acid change (tyrosine 1340 retained).
Molecular consequence: synonymous variant.
Genome position (GRCh38, 1-based): chr2:189,010,656, C>T. VCF-style: chr2-189010656-C-T. GRCh37 (hg19) VCF-style: chr2-189875382-C-T.
Identifiers: ClinVar variation 333070 (VCV000333070.20), dbSNP rs766750333, ClinGen allele CA076420.